The following is an entry in ClinVar:

ClinVar aggregate classification (germline): Uncertain significance. Review status: criteria provided, multiple submitters, no conflicts (2 of 4 stars). 2 submissions from 2 submitters: Uncertain significance (2). Last evaluated 2024-03-27.

Conditions:
Joubert syndrome. Also called: CEREBELLOPARENCHYMAL DISORDER IV; JOUBERT-BOLTSHAUSER SYNDROME; Familial aplasia of the vermis. Identifiers: Orphanet 475, MedGen C5979921, MONDO:0018772.
Orofaciodigital syndrome I (OFD1). Also called: OFDS I; Papillon-Leage and Psaume Syndrome; Oral-Facial-Digital Syndrome Type I. Identifiers: Orphanet 2750, MedGen C1510460, MONDO:0010702, OMIM 311200.
Simpson-Golabi-Behmel syndrome type 2. Identifiers: Orphanet 79022, MedGen C1846175, MONDO:0010265, OMIM 300209.
Joubert syndrome 10 (JBTS10). Identifiers: Orphanet 2754, MedGen C2749019, MONDO:0010431, OMIM 300804.
Retinitis pigmentosa 23 (RP23). Identifiers: Orphanet 791, MedGen C1419610, MONDO:0010320, OMIM 300424.

Submissions (2):

Fulgent Genetics
Classification: Uncertain significance for Simpson-Golabi-Behmel syndrome type 2; Retinitis pigmentosa 23; Joubert syndrome 10; Orofaciodigital syndrome I. Last evaluated: 2024-03-27. Review status: criteria provided, single submitter. Criteria: ACMG Guidelines, 2015. Collection method: clinical testing. Allele origin: germline.

Labcorp Genetics (formerly Invitae), Labcorp
Classification: Uncertain significance for Orofaciodigital syndrome I; Joubert syndrome. Last evaluated: 2023-08-31. Review status: criteria provided, single submitter. Criteria: Invitae Variant Classification Sherloc (09022015). Collection method: clinical testing. Allele origin: germline.
Comment: In summary, the available evidence is currently insufficient to determine the role of this variant in disease. Therefore, it has been classified as a Variant of Uncertain Significance. Variants that disrupt the consensus splice site are a relatively common cause of aberrant splicing (PMID: 17576681, 9536098). Algorithms developed to predict the effect of sequence changes on RNA splicing suggest that this variant is not likely to affect RNA splicing. This variant has not been reported in the literature in individuals affected with OFD1-related conditions. This variant is not present in population databases (gnomAD no frequency). This sequence change falls in intron 2 of the OFD1 gene. It does not directly change the encoded amino acid sequence of the OFD1 protein. It affects a nucleotide within the consensus splice site.

Literature cited by the submitters: PubMed 17576681 (cited by Labcorp Genetics (formerly Invitae), Labcorp); PubMed 9536098 (cited by Labcorp Genetics (formerly Invitae), Labcorp).

NM_003611.3(OFD1):c.111+6G>A

Genes: OFD1 (OFD1 centriole and centriolar satellite protein; plus strand), LOC126863212 (CDK7 strongly-dependent group 2 enhancer GRCh37_chrX:13752241-13753440; plus strand). Cytogenetic location: Xp22.2.
Variant type: single nucleotide variant.
Coding change: c.111+6G>A on transcript NM_003611.3 (MANE Select); 6 bases into the intron after coding-DNA position 111, G replaced by A.
Molecular consequence: intron variant.
Genome position (GRCh38, 1-based): chrX:13,735,352, G>A. VCF-style: chrX-13735352-G-A. GRCh37 (hg19) VCF-style: chrX-13753471-G-A.
Other names: c.-435+6G>A (NM_001330210.2); c.111+6G>A (NM_001330209.2).
Identifiers: ClinVar variation 2933554 (VCV002933554.4), dbSNP rs2518743881, ClinGen allele CA2579553315.
Genomic context (GRCh38, chrX:13,735,352, plus strand): 5'-GCGCAAAAAGCTATACCAGACGTTTAAGGATCGGGGTATACTGGATACACTCAAGGTATC[G>A]GATTTAGGCGTATCTGTGTCAGCTTTTACAAGTGTAACCTGTAACAGGTAGTTCAAATTC-3'